The following is an entry in ClinVar:

NM_001267550.2(TTN):c.104203A>G (p.Thr34735Ala)

Genes: TTN (titin; minus strand), TTN-AS1 (TTN antisense RNA 1; plus strand). Cytogenetic location: 2q31.2.
Variant type: single nucleotide variant.
Coding change: c.104203A>G on transcript NM_001267550.2 (MANE Select); coding-DNA position 104203, A replaced by G.
Protein change: p.Thr34735Ala; replaces threonine 34735 with alanine.
Molecular consequence: missense variant.
Genome position (GRCh38, 1-based): chr2:178,532,412, T>C on the plus strand (A>G on the coding strand, the complement: TTN is on the minus strand). VCF-style: chr2-178532412-T-C. GRCh37 (hg19) VCF-style: chr2-179397139-T-C.
Other names: c.104203A>G (NM_001267550.1); c.99280A>G, p.Thr33094Ala (NM_001256850.1); c.77008A>G, p.Thr25670Ala (NM_003319.4); c.96499A>G, p.Thr32167Ala (NM_133378.4); c.77383A>G, p.Thr25795Ala (NM_133432.3); c.77584A>G, p.Thr25862Ala (NM_133437.4); short protein forms T25670A, T25795A, T34735A, T32167A, T25862A, T33094A.
Identifiers: ClinVar variation 1475607 (VCV001475607.7), dbSNP rs1451123812, ClinGen allele CA349412250.

ClinVar aggregate classification (germline): Uncertain significance. Review status: criteria provided, multiple submitters, no conflicts (2 of 4 stars). 2 submissions from 2 submitters: Uncertain significance (2). Last evaluated 2025-02-26.

Conditions:
Dilated cardiomyopathy 1G (CMD1G). Identifiers: Orphanet 154, MedGen C1858763, MONDO:0011400, OMIM 604145.
Autosomal recessive limb-girdle muscular dystrophy type 2J (LGMDR10). Also called: MUSCULAR DYSTROPHY, LIMB-GIRDLE, AUTOSOMAL RECESSIVE 10; Limb-girdle muscular dystrophy, type 2J. Identifiers: Orphanet 140922, MedGen C1837342, MONDO:0012127, OMIM 608807.

Allele frequency attached by ClinVar (database versions not stated): gnomAD exomes below 0.00001 and 0.00001.
gnomAD v4.1: 7 of 1,613,952 alleles (0.00043%); highest among the groups gnomAD compares: Non-Finnish European, 0.00059%; no homozygotes.

Submissions (2):

Labcorp Genetics (formerly Invitae), Labcorp
Classification: Uncertain significance for Dilated cardiomyopathy 1G; Autosomal recessive limb-girdle muscular dystrophy type 2J. Last evaluated: 2025-02-26. Review status: criteria provided, single submitter. Criteria: Invitae Variant Classification Sherloc (09022015). Collection method: clinical testing. Allele origin: germline.
Comment: This sequence change replaces threonine, which is neutral and polar, with alanine, which is neutral and non-polar, at codon 34735 of the TTN protein (p.Thr34735Ala). This variant is present in population databases (no rsID available, gnomAD 0.0009%). This variant has not been reported in the literature in individuals affected with TTN-related conditions. ClinVar contains an entry for this variant (Variation ID: 1475607). An algorithm developed to predict the effect of missense changes on protein structure and function outputs the following: PolyPhen-2: "Not Available". The alanine amino acid residue is found in multiple mammalian species, which suggests that this missense change does not adversely affect protein function. This variant is located in the M band of TTN (PMID: 25589632). Non-truncating variants in this region may be relevant for neuromuscular disorders, but have not been definitively shown to cause cardiomyopathy (PMID: 23975875). In summary, the available evidence is currently insufficient to determine the role of this variant in disease. Therefore, it has been classified as a Variant of Uncertain Significance.

GeneDx
Classification: Uncertain significance. Last evaluated: 2022-08-11. Review status: criteria provided, single submitter. Criteria: GeneDx Variant Classification Process June 2021. Collection method: clinical testing. Allele origin: germline. Affected: yes.
Comment: Not observed at significant frequency in large population cohorts (gnomAD); Missense variant in a gene in which most reported pathogenic variants are truncating/loss of function; Has not been previously published as pathogenic or benign to our knowledge; This variant is associated with the following publications: (PMID: 25589632, 23975875)

Literature cited by the submitters: PubMed 25589632 (cited by Labcorp Genetics (formerly Invitae), Labcorp); PubMed 23975875 (cited by Labcorp Genetics (formerly Invitae), Labcorp).